The following is an entry in ClinVar:

ClinVar aggregate classification (germline): Pathogenic (1 of 4 stars; one submission).

gnomAD v4.1: 3 of 1,613,270 alleles (0.00019%); highest among the groups gnomAD compares: Admixed American, 0.005%; no homozygotes.

Submission:

Labcorp Genetics (formerly Invitae), Labcorp
Classification: Pathogenic. Last evaluated: 2025-12-24. Review status: criteria provided, single submitter. Criteria: Invitae Variant Classification Sherloc (09022015). Collection method: clinical testing. Allele origin: germline.
Comment: This sequence change creates a premature translational stop signal (p.Glu553*) in the C6 gene. It is expected to result in an absent or disrupted protein product. Loss-of-function variants in C6 are known to be pathogenic (PMID: 17257682). This variant is present in population databases (no rsID available, gnomAD 0.006%). This variant has not been reported in the literature in individuals affected with C6-related conditions. Algorithms developed to predict the effect of sequence changes on RNA splicing suggest that this variant may disrupt the consensus splice site. For these reasons, this variant has been classified as Pathogenic.

Literature cited by the submitters: PubMed 17257682.

NM_000065.5(C6):c.1657G>T (p.Glu553Ter)

Gene: C6 (complement C6; minus strand). Cytogenetic location: 5p13.1.
Variant type: single nucleotide variant.
Coding change: c.1657G>T on transcript NM_000065.5 (MANE Select); coding-DNA position 1657, G replaced by T.
Protein change: p.Glu553Ter; replaces glutamic acid 553 with a stop codon.
Molecular consequence: nonsense.
Genome position (GRCh38, 1-based): chr5:41,160,169, C>A on the plus strand (G>T on the coding strand, the complement: C6 is on the minus strand). VCF-style: chr5-41160169-C-A. GRCh37 (hg19) VCF-style: chr5-41160271-C-A.
Other names: c.1657G>T, p.Glu553Ter (NM_001115131.4); short protein forms E553*.
Identifiers: ClinVar variation 4811581 (VCV004811581.1).
Genomic context (GRCh38, chr5:41,160,169, plus strand): 5'-TTATCTACCTCACAATAGATTCCTGATACTTACTGGATTTATAATCTGGAGACTGTTTCT[C>A]ACAGTTCTCACCATAGGTGCCACTCTGACACACACACAGACATTCAGTCCCTGAGAGGGT-3'